The following is an entry in ClinVar:

NM_000264.5(PTCH1):c.871T>G (p.Tyr291Asp)

Gene: PTCH1 (patched 1; minus strand). Cytogenetic location: 9q22.32.
Variant type: single nucleotide variant.
Coding change: c.871T>G on transcript NM_000264.5 (MANE Select); coding-DNA position 871, T replaced by G.
Protein change: p.Tyr291Asp; replaces tyrosine 291 with aspartic acid.
Molecular consequence: missense variant. On other transcripts: non-coding transcript variant (1).
Genome position (GRCh38, 1-based): chr9:95,480,464, A>C on the plus strand (T>G on the coding strand, the complement: PTCH1 is on the minus strand). VCF-style: chr9-95480464-A-C. GRCh37 (hg19) VCF-style: chr9-98242746-A-C.
Other names: c.673T>G, p.Tyr225Asp (NM_001083602.3); c.868T>G, p.Tyr290Asp (NM_001083603.3); c.418T>G, p.Tyr140Asp (NM_001083604.3, NM_001083605.3, NM_001083606.3 and 1 more transcripts); c.871T>G, p.Tyr291Asp (NM_001354918.2); short protein forms Y140D, Y225D, Y291D, Y290D.
Identifiers: ClinVar variation 3427335 (VCV003427335.1).
Genomic context (GRCh38, chr9:95,480,464, plus strand): 5'-TGTTGGGGGCTGTGGCGGGGCAGTCTGGATCGGCCGGATTGAGGCAGGGGCGGTCCATGT[A>C]ACCATGACCAACCTCAGCCTTATTCAGCATTTCCTCCCAGCTGTCCACTTGATAGTTTAT-3'
Protein context (NP_000255.2, residues 281-301): MLNKAEVGHG[Tyr291Asp]MDRPCLNPAD

ClinVar aggregate classification (germline): Uncertain significance (1 of 4 stars; one submission).

Conditions:
Hereditary cancer-predisposing syndrome. Also called: Neoplastic Syndromes, Hereditary; Tumor predisposition; Hereditary Cancer Syndrome; Hereditary neoplastic syndrome. Identifiers: Orphanet 140162, MedGen C0027672, MeSH D009386, MONDO:0015356.

Submission:

Ambry Genetics
Classification: Uncertain significance for Hereditary cancer-predisposing syndrome. Last evaluated: 2024-11-26. Review status: criteria provided, single submitter. Criteria: Ambry Variant Classification Scheme 2023. Collection method: clinical testing. Allele origin: germline.
Comment: The p.Y291D variant (also known as c.871T>G), located in coding exon 6 of the PTCH1 gene, results from a T to G substitution at nucleotide position 871. The tyrosine at codon 291 is replaced by aspartic acid, an amino acid with highly dissimilar properties. This amino acid position is conserved. In addition, this alteration is predicted to be deleterious by in silico analysis. Based on the available evidence, the clinical significance of this variant remains unclear.